The following is an entry in ClinVar:

ClinVar aggregate classification (germline): Benign (1 of 4 stars; one submission).

Allele frequency attached by ClinVar (database versions not stated): gnomAD 0.19428 and 0.20010; TOPMed 0.20982; 1000 Genomes Project 0.21366; 1000 Genomes Project 30x 0.21893.
gnomAD v4.1: 29,499 of 152,142 alleles (19%); highest among the groups gnomAD compares: African/African-American, 39%; 4,005 homozygotes.

Submission:

GeneDx
Classification: Benign. Last evaluated: 2018-06-18. Review status: criteria provided, single submitter. Criteria: GeneDx Variant Classification (06012015). Collection method: clinical testing. Allele origin: germline. Affected: yes.
Comment: This variant is considered likely benign or benign based on one or more of the following criteria: it is a conservative change, it occurs at a poorly conserved position in the protein, it is predicted to be benign by multiple in silico algorithms, and/or has population frequency not consistent with disease.

NM_001943.5(DSG2):c.1880-281T>C

Gene: DSG2 (desmoglein 2; plus strand). Cytogenetic location: 18q12.1.
Variant type: single nucleotide variant.
Coding change: c.1880-281T>C on transcript NM_001943.5 (MANE Select); 281 bases into the intron before coding-DNA position 1880, T replaced by C.
Molecular consequence: intron variant.
Genome position (GRCh38, 1-based): chr18:31,540,912, T>C. VCF-style: chr18-31540912-T-C. GRCh37 (hg19) VCF-style: chr18-29120875-T-C.
Identifiers: ClinVar variation 683483 (VCV000683483.1), dbSNP rs1667212, ClinGen allele CA297699646.